The following is an entry in ClinVar:

ClinVar aggregate classification (germline): Uncertain significance (1 of 4 stars; one submission).

Conditions:
Familial thoracic aortic aneurysm and aortic dissection (TAAD). Also called: Thoracic aortic aneurysms and dissections. Identifiers: Orphanet 91387, MedGen C4707243, MONDO:0019625.

Submission:

Color Diagnostics, LLC DBA Color Health
Classification: Uncertain significance for Familial thoracic aortic aneurysm and aortic dissection. Last evaluated: 2024-03-07. Review status: criteria provided, single submitter. Criteria: ACMG Guidelines, 2015. Collection method: clinical testing. Allele origin: germline.
Comment: This missense variant replaces glutamic acid with aspartic acid at codon 1519 of the MYH11 protein. Computational prediction suggests that this variant may not impact protein structure and function (internally defined REVEL score threshold <= 0.5, PMID: 27666373). Splice site prediction tools suggest that this variant may not impact RNA splicing. To our knowledge, functional studies have not been performed for this variant. This variant has not been reported in individuals affected with cardiovascular disorders in the literature. This variant has not been identified in the general population by the Genome Aggregation Database (gnomAD). The available evidence is insufficient to determine the role of this variant in disease conclusively. Therefore, this variant is classified as a Variant of Uncertain Significance.

NM_002474.3(MYH11):c.4536A>C (p.Glu1512Asp)

Genes: NDE1 (nudE neurodevelopment protein 1; plus strand), MYH11 (myosin heavy chain 11; minus strand). Cytogenetic location: 16p13.11.
Variant type: single nucleotide variant.
Coding change: c.4536A>C on transcript NM_002474.3 (MANE Select); coding-DNA position 4536, A replaced by C.
Protein change: p.Glu1512Asp; replaces glutamic acid 1512 with aspartic acid.
Molecular consequence: missense variant. On other transcripts: intron variant (2).
Genome position (GRCh38, 1-based): chr16:15,721,464, T>G on the plus strand (A>C on the coding strand, the complement: MYH11 is on the minus strand). VCF-style: chr16-15721464-T-G. GRCh37 (hg19) VCF-style: chr16-15815321-T-G.
Other names: c.4557A>C, p.Glu1519Asp (NM_001040113.2, NM_001040114.2); c.4536A>C, p.Glu1512Asp (NM_022844.3); c.948-2727T>G (NM_001143979.2, NM_017668.3); short protein forms E1512D, E1519D.
Identifiers: ClinVar variation 925050 (VCV000925050.4), dbSNP rs771367057, ClinGen allele CA394854953.
Genomic context (GRCh38, chr16:15,721,464, plus strand): 5'-CCACCCAGAGCCACTTACGTTCTTGCCCACGTCATCCTTGGAGCTGACCAGGTCTTCCAT[T>G]TCGGCTTTGAGCATTTTGTTGGTCCGCTCGAGTTCCTCTTTGGCTTCCAAGGCCTCTTCA-3'
Protein context (NP_002465.1, residues 1502-1522): LERTNKMLKA[Glu1512Asp]MEDLVSSKDD